The following is an entry in ClinVar:

ClinVar aggregate classification (germline): Uncertain significance (1 of 4 stars; one submission).

Allele frequency attached by ClinVar (database versions not stated): TOPMed 0.00005; 1000 Genomes Project 30x 0.00016; 1000 Genomes Project 0.00020.
gnomAD v4.1: 82 of 1,613,998 alleles (0.0051%); highest among the groups gnomAD compares: East Asian, 0.0089%; no homozygotes.

Submission:

Labcorp Genetics (formerly Invitae), Labcorp
Classification: Uncertain significance. Last evaluated: 2022-04-29. Review status: criteria provided, single submitter. Criteria: Invitae Variant Classification Sherloc (09022015). Collection method: clinical testing. Allele origin: germline.
Comment: This sequence change replaces arginine, which is basic and polar, with glutamine, which is neutral and polar, at codon 533 of the ADAMTSL4 protein (p.Arg533Gln). This variant is present in population databases (rs587722382, gnomAD 0.02%). This variant has not been reported in the literature in individuals affected with ADAMTSL4-related conditions. Algorithms developed to predict the effect of missense changes on protein structure and function output the following: SIFT: "Tolerated"; PolyPhen-2: "Benign"; Align-GVGD: "Class C0". The glutamine amino acid residue is found in multiple mammalian species, which suggests that this missense change does not adversely affect protein function. In summary, the available evidence is currently insufficient to determine the role of this variant in disease. Therefore, it has been classified as a Variant of Uncertain Significance.

NM_019032.6(ADAMTSL4):c.1598G>A (p.Arg533Gln)

Genes: ADAMTSL4 (ADAMTS like 4; plus strand), ADAMTSL4-AS2 (ADAMTSL4 antisense RNA 2; minus strand). Cytogenetic location: 1q21.2.
Variant type: single nucleotide variant.
Coding change: c.1598G>A on transcript NM_019032.6 (MANE Select); coding-DNA position 1598, G replaced by A.
Protein change: p.Arg533Gln; replaces arginine 533 with glutamine.
Molecular consequence: missense variant.
Genome position (GRCh38, 1-based): chr1:150,556,642, G>A. VCF-style: chr1-150556642-G-A. GRCh37 (hg19) VCF-style: chr1-150529118-G-A.
Other names: c.1667G>A, p.Arg556Gln (NM_001288607.2, NM_001288608.2); c.1598G>A, p.Arg533Gln (NM_001378596.1, NM_025008.5); short protein forms R533Q, R556Q.
Identifiers: ClinVar variation 2417278 (VCV002417278.4), dbSNP rs587722382, ClinGen allele CA1078341.